The following is an entry in ClinVar:

NM_005522.5(HOXA1):c.272C>G (p.Ser91Cys)

Gene: HOXA1 (homeobox A1; minus strand). Cytogenetic location: 7p15.2.
Variant type: single nucleotide variant.
Coding change: c.272C>G on transcript NM_005522.5 (MANE Select); coding-DNA position 272, C replaced by G.
Protein change: p.Ser91Cys; replaces serine 91 with cysteine.
Molecular consequence: missense variant.
Genome position (GRCh38, 1-based): chr7:27,095,641, G>C on the plus strand (C>G on the coding strand, the complement: HOXA1 is on the minus strand). VCF-style: chr7-27095641-G-C. GRCh37 (hg19) VCF-style: chr7-27135260-G-C.
Other names: c.272C>G, p.Ser91Cys (NM_153620.3); short protein forms S91C.
Identifiers: ClinVar variation 2229665 (VCV002229665.2), dbSNP rs1783803450, ClinGen allele CA367068996.

ClinVar aggregate classification (germline): Uncertain significance (1 of 4 stars; one submission).

Conditions:
Inborn genetic diseases. Identifiers: MedGen C0950123, MeSH D030342.

Allele frequency attached by ClinVar (database versions not stated): gnomAD exomes below 0.00001; TOPMed below 0.00001.
gnomAD v4.1: 2 of 1,614,130 alleles (0.00012%); highest among the groups gnomAD compares: Admixed American, 0.0017%; no homozygotes.

Submission:

Ambry Genetics
Classification: Uncertain significance for Inborn genetic diseases. Last evaluated: 2021-03-18. Review status: criteria provided, single submitter. Criteria: Ambry Variant Classification Scheme 2023. Collection method: clinical testing. Allele origin: germline.
Comment: The c.272C>G (p.S91C) alteration is located in exon 1 (coding exon 1) of the HOXA1 gene. This alteration results from a C to G substitution at nucleotide position 272, causing the serine (S) at amino acid position 91 to be replaced by a cysteine (C). The p.S91C alteration is predicted to be tolerated by in silico analysis. Based on insufficient or conflicting evidence, the clinical significance of this alteration remains unclear.